The following is an entry in ClinVar:

NM_004655.4(AXIN2):c.1948_1958del (p.Ser651fs)

Gene: AXIN2 (axin 2; minus strand). Cytogenetic location: 17q24.1.
Variant type: Deletion.
Coding change: c.1948_1958del on transcript NM_004655.4 (MANE Select); coding-DNA positions 1948 to 1958, 11 bases deleted (CGCTCGTCTCC).
Protein change: p.Ser651fs; shifts the reading frame from serine 651.
Molecular consequence: frameshift variant.
Genome position (GRCh38, 1-based): chr17:65,536,503-65,536,513, GGAGACGAGCG deleted on the plus strand (CGCTCGTCTCC on the coding strand, the reverse complement: AXIN2 is on the minus strand); deleting any 11 consecutive bases within chr17:65,536,503-65,536,515 gives the same sequence; the c. name uses the placement nearest the transcript's 3' end. VCF-style (leftmost placement, unchanged base first): chr17-65536502-TGGAGACGAGCG-T. GRCh37 (hg19) VCF-style: chr17-63532620-TGGAGACGAGCG-T.
Other names: c.1753_1763del, p.Ser586fs (NM_001363813.1); short protein forms S586fs, S651fs.
Identifiers: ClinVar variation 4876082 (VCV004876082.1).

ClinVar aggregate classification (germline): Pathogenic (1 of 4 stars; one submission).

Conditions:
Oligodontia-cancer predisposition syndrome. Also called: TOOTH AGENESIS-COLORECTAL CANCER SYNDROME. Identifiers: Orphanet 300576, MedGen C1837750, MONDO:0012075, OMIM 608615. Disease mechanism: loss of function.

Submission:

Myriad Genetics, Inc.
Classification: Pathogenic for Oligodontia-cancer predisposition syndrome. Last evaluated: 2026-06-04. Review status: criteria provided, single submitter. Criteria: Myriad Autosomal Dominant, Autosomal Recessive and X-Linked Classification Criteria (2023). Collection method: clinical testing. Allele origin: unknown.
Comment: This variant is considered pathogenic. This variant creates a frameshift predicted to result in premature protein truncation.